The following is an entry in ClinVar:

ClinVar aggregate classification (germline): Uncertain significance (1 of 4 stars; one submission).

Conditions:
Inborn genetic diseases. Identifiers: MedGen C0950123, MeSH D030342.

Submission:

Ambry Genetics
Classification: Uncertain significance for Inborn genetic diseases. Last evaluated: 2026-04-05. Review status: criteria provided, single submitter. Criteria: Ambry Variant Classification Scheme 2023. Collection method: clinical testing. Allele origin: germline.
Comment: The p.Q769E variant (also known as c.2305C>G), located in coding exon 8 of the MECOM gene, results from a C to G substitution at nucleotide position 2305. The glutamine at codon 769 is replaced by glutamic acid, an amino acid with highly similar properties. This amino acid position is conserved. In addition, this alteration is predicted to be tolerated by in silico analysis. Based on the available evidence, the clinical significance of this variant remains unclear.

NM_004991.4(MECOM):c.2305C>G (p.Gln769Glu)

Gene: MECOM (MDS1 and EVI1 complex locus; minus strand). Cytogenetic location: 3q26.2.
Variant type: single nucleotide variant.
Coding change: c.2305C>G on transcript NM_004991.4 (MANE Select); coding-DNA position 2305, C replaced by G.
Protein change: p.Gln769Glu; replaces glutamine 769 with glutamic acid.
Molecular consequence: missense variant.
Genome position (GRCh38, 1-based): chr3:169,115,567, G>C on the plus strand (C>G on the coding strand, the complement: MECOM is on the minus strand). VCF-style: chr3-169115567-G-C. GRCh37 (hg19) VCF-style: chr3-168833355-G-C.
Other names: c.1936C>G, p.Gln646Glu (NM_001105077.4); c.1741C>G, p.Gln581Glu (NM_001105078.4, NM_001164000.2, NM_001205194.2 and 4 more transcripts); c.1744C>G, p.Gln582Glu (NM_001163999.2, NM_001366467.2, NM_001366468.2 and 1 more transcripts); c.2305C>G, p.Gln769Glu (NM_001366466.2); c.1333C>G, p.Gln445Glu (NM_001366473.2); c.769C>G, p.Gln257Glu (NM_001366474.2); short protein forms Q257E, Q445E, Q581E, Q582E, Q646E, Q769E.
Identifiers: ClinVar variation 4859721 (VCV004859721.1).